The following is an entry in ClinVar:

ClinVar aggregate classification (germline): Uncertain significance. Review status: criteria provided, multiple submitters, no conflicts (2 of 4 stars). 2 submissions from 2 submitters: Uncertain significance (2). Last evaluated 2025-09-29.

Allele frequency attached by ClinVar (database versions not stated): ExAC 0.00012; ESP Exome Variant Server 0.00023; 1000 Genomes Project 30x 0.00094; 1000 Genomes Project 0.00100.
gnomAD v4.1: 170 of 1,612,844 alleles (0.011%); highest among the groups gnomAD compares: African/African-American, 0.06%; no homozygotes.

Submissions (2):

Labcorp Genetics (formerly Invitae), Labcorp
Classification: Uncertain significance. Last evaluated: 2025-09-29. Review status: criteria provided, single submitter. Criteria: Invitae Variant Classification Sherloc (09022015). Collection method: clinical testing. Allele origin: germline.
Comment: This sequence change replaces arginine, which is basic and polar, with glutamine, which is neutral and polar, at codon 2727 of the FBN3 protein (p.Arg2727Gln). This variant is present in population databases (rs75174438, gnomAD 0.05%). This variant has not been reported in the literature in individuals affected with FBN3-related conditions. ClinVar contains an entry for this variant (Variation ID: 2155810). Invitae Evidence Modeling of protein sequence and biophysical properties (such as structural, functional, and spatial information, amino acid conservation, physicochemical variation, residue mobility, and thermodynamic stability) indicates that this missense variant is not expected to disrupt FBN3 protein function with a negative predictive value of 80%. In summary, the available evidence is currently insufficient to determine the role of this variant in disease. Therefore, it has been classified as a Variant of Uncertain Significance.

Ambry Genetics
Classification: Uncertain significance. Last evaluated: 2025-08-03. Review status: criteria provided, single submitter. Criteria: Ambry Variant Classification Scheme 2023. Collection method: clinical testing. Allele origin: germline.

NM_032447.5(FBN3):c.8180G>A (p.Arg2727Gln)

Gene: FBN3 (fibrillin 3; minus strand). Cytogenetic location: 19p13.2.
Variant type: single nucleotide variant.
Coding change: c.8180G>A on transcript NM_032447.5 (MANE Select); coding-DNA position 8180, G replaced by A.
Protein change: p.Arg2727Gln; replaces arginine 2727 with glutamine.
Molecular consequence: missense variant.
Genome position (GRCh38, 1-based): chr19:8,066,169, C>T on the plus strand (G>A on the coding strand, the complement: FBN3 is on the minus strand). VCF-style: chr19-8066169-C-T. GRCh37 (hg19) VCF-style: chr19-8131053-C-T.
Other names: c.8180G>A, p.Arg2727Gln (NM_001321431.2); c.8180G>A (NM_032447.3); short protein forms R2727Q.
Identifiers: ClinVar variation 2155810 (VCV002155810.3), dbSNP rs75174438, ClinGen allele CA9150611.
Genomic context (GRCh38, chr19:8,066,169, plus strand): 5'-TGCTCGTTTCCGCGGACGATGACGTAGCGGATCCGGCCCTCTAGACCCTCCAGGGCCGGC[C>T]GGAGCTCCAGGATGCGCTCGGCCCGGCCCAGGTGTGAGAGGTTCAGGCCCAAGGTCAGCA-3'
Protein context (NP_115823.3, residues 2717-2737): LGRAERILEL[Arg2727Gln]PALEGLEGRI